The following is an entry in ClinVar:

ClinVar aggregate classification (germline): Conflicting classifications of pathogenicity. Review status: criteria provided, conflicting classifications (1 of 4 stars). 2 submissions from 2 submitters: Uncertain significance (1); Likely benign (1). Last evaluated 2025-11-25.

Conditions:
Hereditary cancer-predisposing syndrome. Also called: Neoplastic Syndromes, Hereditary; Hereditary Cancer Syndrome; Hereditary neoplastic syndrome; Tumor predisposition. Identifiers: Orphanet 140162, MedGen C0027672, MeSH D009386, MONDO:0015356.

Allele frequency attached by ClinVar (database versions not stated): gnomAD exomes below 0.00001 and 0.00002; ExAC 0.00003; gnomAD 0.00004; TOPMed 0.00005; ESP Exome Variant Server 0.00015.
gnomAD v4.1: 10 of 1,612,664 alleles (0.00062%); highest among the groups gnomAD compares: African/African-American, 0.011%; no homozygotes.

Submissions (2):

Labcorp Genetics (formerly Invitae), Labcorp
Classification: Uncertain significance. Last evaluated: 2025-11-25. Review status: criteria provided, single submitter. Criteria: Invitae Variant Classification Sherloc (09022015). Collection method: clinical testing. Allele origin: germline.
Comment: This sequence change replaces proline, which is neutral and non-polar, with serine, which is neutral and polar, at codon 700 of the POLE protein (p.Pro700Ser). This variant is present in population databases (rs145793634, gnomAD 0.02%). This variant has not been reported in the literature in individuals affected with POLE-related conditions. ClinVar contains an entry for this variant (Variation ID: 540630). Invitae Evidence Modeling of protein sequence and biophysical properties (such as structural, functional, and spatial information, amino acid conservation, physicochemical variation, residue mobility, and thermodynamic stability) indicates that this missense variant is not expected to disrupt POLE protein function with a negative predictive value of 80%. In summary, the available evidence is currently insufficient to determine the role of this variant in disease. Therefore, it has been classified as a Variant of Uncertain Significance.

Ambry Genetics
Classification: Likely benign for Hereditary cancer-predisposing syndrome. Last evaluated: 2024-10-17. Review status: criteria provided, single submitter. Criteria: Ambry Variant Classification Scheme 2023. Collection method: clinical testing. Allele origin: germline.

NM_006231.4(POLE):c.2098C>T (p.Pro700Ser)

Gene: POLE (DNA polymerase epsilon, catalytic subunit; minus strand). Cytogenetic location: 12q24.33.
Variant type: single nucleotide variant.
Coding change: c.2098C>T on transcript NM_006231.4 (MANE Select); coding-DNA position 2098, C replaced by T.
Protein change: p.Pro700Ser; replaces proline 700 with serine.
Molecular consequence: missense variant.
Genome position (GRCh38, 1-based): chr12:132,668,431, G>A on the plus strand (C>T on the coding strand, the complement: POLE is on the minus strand). VCF-style: chr12-132668431-G-A. GRCh37 (hg19) VCF-style: chr12-133245017-G-A.
Other names: c.2098C>T (NM_006231.2); short protein forms P700S.
Identifiers: ClinVar variation 540630 (VCV000540630.13), dbSNP rs145793634, ClinGen allele CA6893680.